The following is an entry in ClinVar:

NM_006445.4(PRPF8):c.602C>A (p.Ala201Asp)

Gene: PRPF8 (pre-mRNA processing factor 8; minus strand). Cytogenetic location: 17p13.3.
Variant type: single nucleotide variant.
Coding change: c.602C>A on transcript NM_006445.4 (MANE Select); coding-DNA position 602, C replaced by A.
Protein change: p.Ala201Asp; replaces alanine 201 with aspartic acid.
Molecular consequence: missense variant.
Genome position (GRCh38, 1-based): chr17:1,681,871, G>T on the plus strand (C>A on the coding strand, the complement: PRPF8 is on the minus strand). VCF-style: chr17-1681871-G-T. GRCh37 (hg19) VCF-style: chr17-1585165-G-T.
Other names: short protein forms A201D.
Identifiers: ClinVar variation 963752 (VCV000963752.7), dbSNP rs982996032, ClinGen allele CA397568611.

ClinVar aggregate classification (germline): Uncertain significance (1 of 4 stars; one submission).

Submission:

Labcorp Genetics (formerly Invitae), Labcorp
Classification: Uncertain significance. Last evaluated: 2024-04-25. Review status: criteria provided, single submitter. Criteria: Invitae Variant Classification Sherloc (09022015). Collection method: clinical testing. Allele origin: germline.
Comment: This sequence change replaces alanine, which is neutral and non-polar, with aspartic acid, which is acidic and polar, at codon 201 of the PRPF8 protein (p.Ala201Asp). This variant is not present in population databases (gnomAD no frequency). This variant has not been reported in the literature in individuals affected with PRPF8-related conditions. ClinVar contains an entry for this variant (Variation ID: 963752). Advanced modeling of protein sequence and biophysical properties (such as structural, functional, and spatial information, amino acid conservation, physicochemical variation, residue mobility, and thermodynamic stability) performed at Invitae indicates that this missense variant is not expected to disrupt PRPF8 protein function with a negative predictive value of 80%. In summary, the available evidence is currently insufficient to determine the role of this variant in disease. Therefore, it has been classified as a Variant of Uncertain Significance.